The following is an entry in ClinVar:

NM_000051.4(ATM):c.7356G>C (p.Leu2452=)

Genes: ATM (ATM serine/threonine kinase; plus strand), C11orf65 (chromosome 11 open reading frame 65; minus strand). Cytogenetic location: 11q22.3.
Variant type: single nucleotide variant.
Coding change: c.7356G>C on transcript NM_000051.4 (MANE Select); coding-DNA position 7356, G replaced by C.
Protein change: p.Leu2452=; no amino-acid change (leucine 2452 retained).
Molecular consequence: synonymous variant. On other transcripts: intron variant (2).
Genome position (GRCh38, 1-based): chr11:108,330,262, G>C. VCF-style: chr11-108330262-G-C. GRCh37 (hg19) VCF-style: chr11-108200989-G-C.
Other names: c.7356G>C, p.Leu2452= (NM_001351834.2); c.641-21191C>G (NM_001330368.2); c.*38+4958C>G (NM_001351110.2).
Identifiers: ClinVar variation 2005656 (VCV002005656.6), dbSNP rs2086116800, ClinGen allele CA476676857.

ClinVar aggregate classification (germline): Benign/Likely benign. Review status: criteria provided, multiple submitters, no conflicts (2 of 4 stars). 3 submissions from 3 submitters: Benign (1); Likely benign (2). Last evaluated 2025-07-12.

Conditions:
Hereditary cancer-predisposing syndrome. Also called: Tumor predisposition; Hereditary Cancer Syndrome; Hereditary neoplastic syndrome; Neoplastic Syndromes, Hereditary. Identifiers: Orphanet 140162, MedGen C0027672, MeSH D009386, MONDO:0015356.
Familial cancer of breast. Also called: BREAST CANCER, FAMILIAL; Hereditary breast cancer; hereditary breast carcinoma. Identifiers: Orphanet 227535, MedGen C0346153, MONDO:0016419, OMIM 114480. Disease mechanism: loss of function.
Ataxia-telangiectasia syndrome (AT). Also called: Ataxia-telangiectasia, complementation group D; AT, COMPLEMENTATION GROUP C; ATAXIA-TELANGIECTASIA, COMPLEMENTATION GROUP A; ATAXIA-TELANGIECTASIA, FRESNO VARIANT; Ataxia-telangiectasia, complementation group E; LOUIS-BAR SYNDROME. Identifiers: Orphanet 100, MedGen C0004135, MONDO:0008840, OMIM 208900.

Allele frequency attached by ClinVar (database versions not stated): gnomAD exomes below 0.00001.
gnomAD v4.1: 1 of 1,614,164 alleles (0.000062%); highest among the groups gnomAD compares: Non-Finnish European, 0.000085%; no homozygotes.

Submissions (3):

Ambry Genetics
Classification: Likely benign for Hereditary cancer-predisposing syndrome. Last evaluated: 2025-07-12. Review status: criteria provided, single submitter. Criteria: Ambry Variant Classification Scheme 2023. Collection method: clinical testing. Allele origin: germline.

Labcorp Genetics (formerly Invitae), Labcorp
Classification: Likely benign for Ataxia-telangiectasia syndrome. Last evaluated: 2024-09-03. Review status: criteria provided, single submitter. Criteria: Invitae Variant Classification Sherloc (09022015). Collection method: clinical testing. Allele origin: germline.

Myriad Genetics, Inc.
Classification: Benign for Familial cancer of breast. Last evaluated: 2024-06-13. Review status: criteria provided, single submitter. Criteria: Myriad Autosomal Dominant, Autosomal Recessive and X-Linked Classification Criteria (2023). Collection method: clinical testing. Allele origin: unknown.
Comment: This variant is considered benign. This variant is a silent/synonymous amino acid change and it is not expected to impact splicing.